The following is an entry in ClinVar:

ClinVar aggregate classification (germline): Uncertain significance. Review status: criteria provided, multiple submitters, no conflicts (2 of 4 stars). 3 submissions from 3 submitters: Uncertain significance (3). Last evaluated 2025-09-11.

Conditions:
Inborn genetic diseases. Identifiers: MedGen C0950123, MeSH D030342.
Hereditary spastic paraplegia 11. Also called: Nakamura Osame syndrome; Autosomal recessive hereditary spastic paraplegia, mental impairment, and thin corpus callosum; SPASTIC PARAPLEGIA, AUTOSOMAL RECESSIVE, COMPLICATED, WITH THIN CORPUS CALLOSUM; SPASTIC PARAPLEGIA, AUTOSOMAL RECESSIVE, WITH MENTAL IMPAIRMENT AND THIN CORPUS CALLOSUM; Spastic paraplegia, mental retardation and thin corpus callosum; Spastic Paraplegia 11. Identifiers: Orphanet 2822, MedGen C1858479, MONDO:0011445, OMIM 604360.

Allele frequency attached by ClinVar (database versions not stated): gnomAD 0.00001; ExAC 0.00003; gnomAD exomes 0.00003; TOPMed 0.00003.
gnomAD v4.1: 60 of 1,613,196 alleles (0.0037%); highest among the groups gnomAD compares: Non-Finnish European, 0.0047%; 1 homozygote.

Submissions (3):

Ambry Genetics
Classification: Uncertain significance for Inborn genetic diseases. Last evaluated: 2025-09-11. Review status: criteria provided, single submitter. Criteria: Ambry Variant Classification Scheme 2023. Collection method: clinical testing. Allele origin: germline.

Mayo Clinic Laboratories, Mayo Clinic
Classification: Uncertain significance. Last evaluated: 2025-02-10. Review status: criteria provided, single submitter. Criteria: ACMG Guidelines, 2015. Collection method: clinical testing. Allele origin: germline. Observed: 2 variant alleles.
Comment: PP3_moderate

Labcorp Genetics (formerly Invitae), Labcorp
Classification: Uncertain significance for Hereditary spastic paraplegia 11. Last evaluated: 2022-07-12. Review status: criteria provided, single submitter. Criteria: Invitae Variant Classification Sherloc (09022015). Collection method: clinical testing. Allele origin: germline.
Comment: This sequence change replaces asparagine, which is neutral and polar, with aspartic acid, which is acidic and polar, at codon 521 of the SPG11 protein (p.Asn521Asp). This variant is present in population databases (rs770720509, gnomAD 0.004%). This variant has not been reported in the literature in individuals affected with SPG11-related conditions. ClinVar contains an entry for this variant (Variation ID: 579478). Algorithms developed to predict the effect of missense changes on protein structure and function are either unavailable or do not agree on the potential impact of this missense change (SIFT: "Deleterious"; PolyPhen-2: "Probably Damaging"; Align-GVGD: "Class C0"). In summary, the available evidence is currently insufficient to determine the role of this variant in disease. Therefore, it has been classified as a Variant of Uncertain Significance.

NM_025137.4(SPG11):c.1561A>G (p.Asn521Asp)

Gene: SPG11 (SPG11 vesicle trafficking associated, spatacsin; minus strand). Cytogenetic location: 15q21.1.
Variant type: single nucleotide variant.
Coding change: c.1561A>G on transcript NM_025137.4 (MANE Select); coding-DNA position 1561, A replaced by G.
Protein change: p.Asn521Asp; replaces asparagine 521 with aspartic acid.
Molecular consequence: missense variant.
Genome position (GRCh38, 1-based): chr15:44,648,907, T>C on the plus strand (A>G on the coding strand, the complement: SPG11 is on the minus strand). VCF-style: chr15-44648907-T-C. GRCh37 (hg19) VCF-style: chr15-44941105-T-C.
Other names: p.Asn521Asp; c.1561A>G, p.Asn521Asp (NM_001160227.2); short protein forms N521D.
Identifiers: ClinVar variation 579478 (VCV000579478.11), dbSNP rs770720509, ClinGen allele CA7535526.